The following is an entry in ClinVar:

ClinVar aggregate classification (germline): Likely benign. Review status: criteria provided, single submitter (1 of 4 stars). 2 submissions from 2 submitters: Likely benign (1). 1 of the submissions does not count toward it. Last evaluated 2023-09-01.

Conditions:
CUX1-related disorder. Also called: CUX1-related condition.

Allele frequency attached by ClinVar (database versions not stated): gnomAD exomes 0.00001; ExAC 0.00004; gnomAD 0.00005; TOPMed 0.00005.
gnomAD v4.1: 25 of 1,608,112 alleles (0.0016%); highest among the groups gnomAD compares: Middle Eastern, 0.033%; no homozygotes.

Submissions (2):

CeGaT Center for Human Genetics Tuebingen
Classification: Likely benign. Last evaluated: 2023-09-01. Review status: criteria provided, single submitter. Criteria: CeGaT Center For Human Genetics Tuebingen Variant Classification Criteria Version 2. Collection method: clinical testing. Allele origin: germline. Affected: yes. Observed: 1 variant allele.
Comment: CUX1: BP4

PreventionGenetics, part of Exact Sciences
Classification: Likely benign for CUX1-related condition. Last evaluated: 2019-07-01. Review status: no assertion criteria provided. Collection method: clinical testing. Allele origin: germline. Not counted in ClinVar's aggregate classification.
Comment: This variant is classified as likely benign based on ACMG/AMP sequence variant interpretation guidelines (Richards et al. 2015 PMID: 25741868, with internal and published modifications).

NM_001913.5(CUX1):c.1383+8C>T

Gene: CUX1 (cut like homeobox 1; plus strand). Cytogenetic location: 7q22.1.
Variant type: single nucleotide variant.
Coding change: c.1383+8C>T on transcript NM_001913.5 (MANE Plus Clinical); 8 bases into the intron after coding-DNA position 1383, C replaced by T.
Molecular consequence: intron variant.
Genome position (GRCh38, 1-based): chr7:102,273,501, C>T. VCF-style: chr7-102273501-C-T. GRCh37 (hg19) VCF-style: chr7-101916772-C-T.
Other names: c.1377+8C>T (NM_181500.4); c.1245+8C>T (NM_001202545.3); c.1335+8C>T (NM_001202544.3); c.1266+8C>T (NM_001202546.3).
Identifiers: ClinVar variation 2657880 (VCV002657880.23), dbSNP rs782233237, ClinGen allele CA4411611.